The following is an entry in ClinVar:

NM_001267550.2(TTN):c.55367_55368del (p.Lys18456fs)

Genes: TTN-AS1 (TTN antisense RNA 1; plus strand), TTN (titin; minus strand). Cytogenetic location: 2q31.2.
Variant type: Deletion.
Coding change: c.55367_55368del on transcript NM_001267550.2 (MANE Select); coding-DNA positions 55367 to 55368, 2 bases deleted (AA; older notation c.55367_55368delAA).
Protein change: p.Lys18456fs; shifts the reading frame from lysine 18456.
Molecular consequence: frameshift variant.
Genome position (GRCh38, 1-based): chr2:178,601,722-178,601,723, TT deleted on the plus strand (AA on the coding strand, the reverse complement: TTN is on the minus strand); deleting any 2 consecutive bases within chr2:178,601,722-178,601,724 gives the same sequence; the c. name uses the placement nearest the transcript's 3' end. VCF-style (leftmost placement, unchanged base first): chr2-178601721-ATT-A. GRCh37 (hg19) VCF-style: chr2-179466448-ATT-A.
Other names: c.50444_50445del, p.Lys16815fs (NM_001256850.1); c.28172_28173del, p.Lys9391fs (NM_003319.4); c.47663_47664del, p.Lys15888fs (NM_133378.4); c.28547_28548del, p.Lys9516fs (NM_133432.3); c.28748_28749del, p.Lys9583fs (NM_133437.4); short protein forms K15888fs, K9583fs, K16815fs, K18456fs, K9516fs, K9391fs.
Identifiers: ClinVar variation 4784812 (VCV004784812.1).

ClinVar aggregate classification (germline): Likely pathogenic (1 of 4 stars; one submission).

Conditions:
Autosomal recessive limb-girdle muscular dystrophy type 2J (LGMDR10). Also called: Limb-girdle muscular dystrophy, type 2J; MUSCULAR DYSTROPHY, LIMB-GIRDLE, AUTOSOMAL RECESSIVE 10. Identifiers: Orphanet 140922, MedGen C1837342, MONDO:0012127, OMIM 608807.
Dilated cardiomyopathy 1G (CMD1G). Identifiers: Orphanet 154, MedGen C1858763, MONDO:0011400, OMIM 604145.

Submission:

Labcorp Genetics (formerly Invitae), Labcorp
Classification: Likely pathogenic for Dilated cardiomyopathy 1G; Autosomal recessive limb-girdle muscular dystrophy type 2J. Last evaluated: 2025-04-23. Review status: criteria provided, single submitter. Criteria: Invitae Variant Classification Sherloc (09022015). Collection method: clinical testing. Allele origin: germline.
Comment: This sequence change creates a premature translational stop signal (p.Lys18456Ilefs*8) in the TTN gene. While this is not anticipated to result in nonsense mediated decay, it is expected to create a truncated TTN protein. This variant is not present in population databases (gnomAD no frequency). This variant has not been reported in the literature in individuals affected with TTN-related conditions. This variant is located in the A band of TTN (PMID: 25589632). Truncating variants in this region are significantly overrepresented in patients affected with dilated cardiomyopathy (PMID: 25589632). Truncating variants in this region have also been reported in individuals affected with autosomal recessive centronuclear myopathy (PMID: 23975875). In summary, the currently available evidence indicates that the variant is pathogenic, but additional data are needed to prove that conclusively. Therefore, this variant has been classified as Likely Pathogenic.

Literature cited by the submitters: PubMed 25589632; PubMed 23975875.